The following is an entry in ClinVar:

ClinVar aggregate classification (germline): Uncertain significance. Review status: criteria provided, multiple submitters, no conflicts (2 of 4 stars). 3 submissions from 3 submitters: Uncertain significance (3). Last evaluated 2026-06-10.

Conditions:
Inborn genetic diseases. Identifiers: MedGen C0950123, MeSH D030342.

gnomAD v4.1: 6 of 1,614,180 alleles (0.00037%); highest among the groups gnomAD compares: Non-Finnish European, 0.00051%; no homozygotes.

Submissions (3):

Ambry Genetics
Classification: Uncertain significance for Inborn genetic diseases. Last evaluated: 2026-06-10. Review status: criteria provided, single submitter. Criteria: Ambry Variant Classification Scheme 2023. Collection method: clinical testing. Allele origin: germline.

Dasa
Classification: Uncertain significance. Last evaluated: 2026-03-02. Review status: criteria provided, single submitter. Criteria: DASA Assertion Criteria. Collection method: clinical testing. Allele origin: germline.
Comment: NM_001197104.2(KMT2A):c.8014G>A (p.Asp2672Asn) is a missense variant that results in the substitution of aspartic acid with asparagine. This variant is rare in population databases. The currently available literature and clinical evidence are not sufficient to establish a definitive association between this variant and the reported condition. Therefore, this variant is classified as a variant of uncertain significance.

Labcorp Genetics (formerly Invitae), Labcorp
Classification: Uncertain significance. Last evaluated: 2025-04-16. Review status: criteria provided, single submitter. Criteria: Invitae Variant Classification Sherloc (09022015). Collection method: clinical testing. Allele origin: germline.
Comment: This sequence change replaces aspartic acid, which is acidic and polar, with asparagine, which is neutral and polar, at codon 2672 of the KMT2A protein (p.Asp2672Asn). This variant is not present in population databases (gnomAD no frequency). This variant has not been reported in the literature in individuals affected with KMT2A-related conditions. ClinVar contains an entry for this variant (Variation ID: 2910761). Invitae Evidence Modeling of protein sequence and biophysical properties (such as structural, functional, and spatial information, amino acid conservation, physicochemical variation, residue mobility, and thermodynamic stability) has been performed for this missense variant. However, the output from this modeling did not meet the statistical confidence thresholds required to predict the impact of this variant on KMT2A protein function. In summary, the available evidence is currently insufficient to determine the role of this variant in disease. Therefore, it has been classified as a Variant of Uncertain Significance.

NM_001197104.2(KMT2A):c.8014G>A (p.Asp2672Asn)

Gene: KMT2A (lysine methyltransferase 2A; plus strand). Cytogenetic location: 11q23.3.
Variant type: single nucleotide variant.
Coding change: c.8014G>A on transcript NM_001197104.2 (MANE Select); coding-DNA position 8014, G replaced by A.
Protein change: p.Asp2672Asn; replaces aspartic acid 2672 with asparagine.
Molecular consequence: missense variant.
Genome position (GRCh38, 1-based): chr11:118,503,906, G>A. VCF-style: chr11-118503906-G-A. GRCh37 (hg19) VCF-style: chr11-118374621-G-A.
Other names: c.8104G>A, p.Asp2702Asn (NM_001412597.1); c.8005G>A, p.Asp2669Asn (NM_005933.4); short protein forms D2669N, D2672N, D2702N.
Identifiers: ClinVar variation 2910761 (VCV002910761.6), dbSNP rs559106168, ClinGen allele CA229527166.